The following is an entry in ClinVar:

NM_001267550.2(TTN):c.96039T>C (p.Asp32013=)

Genes: TTN (titin; minus strand), TTN-AS1 (TTN antisense RNA 1; plus strand). Cytogenetic location: 2q31.2.
Variant type: single nucleotide variant.
Coding change: c.96039T>C on transcript NM_001267550.2 (MANE Select); coding-DNA position 96039, T replaced by C.
Protein change: p.Asp32013=; no amino-acid change (aspartic acid 32013 retained).
Molecular consequence: synonymous variant.
Genome position (GRCh38, 1-based): chr2:178,544,105, A>G on the plus strand (T>C on the coding strand, the complement: TTN is on the minus strand). VCF-style: chr2-178544105-A-G. GRCh37 (hg19) VCF-style: chr2-179408832-A-G.
Other names: c.91116T>C, p.Asp30372= (NM_001256850.1); c.68844T>C, p.Asp22948= (NM_003319.4); c.88335T>C, p.Asp29445= (NM_133378.4); c.69219T>C, p.Asp23073= (NM_133432.3); c.69420T>C, p.Asp23140= (NM_133437.4).
Identifiers: ClinVar variation 500099 (VCV000500099.7), dbSNP rs1553518883, ClinGen allele CA430241574.

ClinVar aggregate classification (germline): Conflicting classifications of pathogenicity. Review status: criteria provided, conflicting classifications (1 of 4 stars). 3 submissions from 3 submitters: Uncertain significance (1); Likely benign (2). Last evaluated 2025-02-06.

Conditions:
TTN-related disorder. Also called: TTN-related condition; TTN-related disease; TTN-related disorders.
Cardiovascular phenotype. Identifiers: MedGen CN230736.

Allele frequency attached by ClinVar (database versions not stated): gnomAD exomes 0.00002.
gnomAD v4.1: 25 of 1,606,408 alleles (0.0016%); highest among the groups gnomAD compares: Non-Finnish European, 0.002%; no homozygotes.

Submissions (3):

Ambry Genetics
Classification: Likely benign for Cardiovascular phenotype. Last evaluated: 2025-02-06. Review status: criteria provided, single submitter. Criteria: Ambry Variant Classification Scheme 2023. Collection method: clinical testing. Allele origin: germline.

PreventionGenetics, part of Exact Sciences
Classification: Likely benign for TTN-related condition. Last evaluated: 2024-10-29. Review status: criteria provided, single submitter. Criteria: ACMG Guidelines, 2015. Collection method: clinical testing. Allele origin: germline.
Comment: This variant is classified as likely benign based on ACMG/AMP sequence variant interpretation guidelines (Richards et al. 2015 PMID: 25741868, with internal and published modifications).

Eurofins Ntd Llc (ga)
Classification: Uncertain significance. Last evaluated: 2017-01-25. Review status: criteria provided, single submitter. Criteria: EGL Classification Definitions 2015. Collection method: clinical testing. Allele origin: germline. Observed: 1 variant allele, 1 heterozygote.